The following is an entry in ClinVar:

NM_006642.5(SDCCAG8):c.546+1G>A

Gene: SDCCAG8 (SHH signaling and ciliogenesis regulator SDCCAG8; plus strand). Cytogenetic location: 1q43.
Variant type: single nucleotide variant.
Coding change: c.546+1G>A on transcript NM_006642.5 (MANE Select); the canonical splice donor site of the intron after coding-DNA position 546, G replaced by A.
Molecular consequence: splice donor variant.
Genome position (GRCh38, 1-based): chr1:243,286,398, G>A. VCF-style: chr1-243286398-G-A. GRCh37 (hg19) VCF-style: chr1-243449700-G-A.
Other names: c.252+1G>A (NM_001350249.2); c.-828+1G>A (NM_001350251.2); c.546+1G>A (NM_001350248.2); c.-567+1G>A (NM_001350246.2); c.-455+1G>A (NM_001350247.2).
Identifiers: ClinVar variation 566217 (VCV000566217.12), dbSNP rs756907665, ClinGen allele CA1483333.

ClinVar aggregate classification (germline): Likely pathogenic. Review status: criteria provided, multiple submitters, no conflicts (2 of 4 stars). 3 submissions from 3 submitters: Likely pathogenic (2). 1 of the submissions does not count toward it. Last evaluated 2024-02-24.

Conditions:
SDCCAG8-related disorder. Also called: SDCCAG8-related condition; SDCCAG8-Related Disorders.
Senior-Loken syndrome 7 (SLSN7). Identifiers: Orphanet 3156, MedGen C3150877, MONDO:0013326, OMIM 613615.
Bardet-Biedl syndrome 16 (BBS16). Identifiers: Orphanet 110, MedGen C3889474, MONDO:0014444, OMIM 615993.

Allele frequency attached by ClinVar (database versions not stated): gnomAD 0.00001; gnomAD exomes 0.00001; TOPMed 0.00001; ExAC 0.00002.
gnomAD v4.1: 8 of 1,613,742 alleles (0.0005%); highest among the groups gnomAD compares: African/African-American, 0.0027%; no homozygotes.

Submissions (4):

Fulgent Genetics
Classification: Likely pathogenic for Senior-Loken syndrome 7; Bardet-Biedl syndrome 16. Last evaluated: 2024-02-24. Review status: criteria provided, single submitter. Criteria: ACMG Guidelines, 2015. Collection method: clinical testing. Allele origin: germline.

Labcorp Genetics (formerly Invitae), Labcorp
Classification: Likely pathogenic for Bardet-Biedl syndrome 16; Senior-Loken syndrome 7. Last evaluated: 2017-11-11. Review status: criteria provided, single submitter. Criteria: Invitae Variant Classification Sherloc (09022015). Collection method: clinical testing. Allele origin: germline.
Comment: This variant is present in population databases (rs756907665, ExAC 0.01%). This sequence change affects a donor splice site in intron 5 of the SDCCAG8 gene. It is expected to disrupt RNA splicing and likely results in an absent or disrupted protein product. This variant has not been reported in the literature in individuals with SDCCAG8-related disease. In summary, the currently available evidence indicates that the variant is pathogenic, but additional data are needed to prove that conclusively. Therefore, this variant has been classified as Likely Pathogenic. Donor and acceptor splice site variants typically lead to a loss of protein function (PMID: 16199547), and loss-of-function variants in SDCCAG8 are known to be pathogenic (PMID: 20835237).

PreventionGenetics, part of Exact Sciences
Classification: Likely pathogenic for SDCCAG8-related condition. Last evaluated: 2024-07-25. Review status: no assertion criteria provided. Collection method: clinical testing. Allele origin: germline. Not counted in ClinVar's aggregate classification.
Comment: The SDCCAG8 c.546+1G>A variant is predicted to disrupt the GT donor site and interfere with normal splicing. To our knowledge, this variant has not been reported in the literature. This variant is reported in 0.0063% of alleles in individuals of African descent in gnomAD. Based on the available evidence, we consider the SDCCAG8 c.546+1G>A variant to be likely pathogenic.

Dr. Peter K. Rogan Lab, Western University
No classification provided (evidence only). Condition: Ovarian serous cystadenocarcinoma. Review status: no classification provided. Collection method: in vitro. Allele origin: not applicable. Functional consequence: retained intron. Not counted in ClinVar's aggregate classification.

Literature cited by the submitters: PubMed 16199547 (cited by Labcorp Genetics (formerly Invitae), Labcorp); PubMed 20835237 (cited by Labcorp Genetics (formerly Invitae), Labcorp).